The following is an entry in ClinVar:

ClinVar aggregate classification (germline): Uncertain significance. Review status: criteria provided, multiple submitters, no conflicts (2 of 4 stars). 2 submissions from 2 submitters: Uncertain significance (2). Last evaluated 2022-11-01.

Conditions:
Cone-rod dystrophy 13 (CORD13). Identifiers: Orphanet 1872, MedGen C2750720, MONDO:0011987, OMIM 608194.
Leber congenital amaurosis 6 (LCA6). Identifiers: Orphanet 65, MedGen C1854260, MONDO:0013446, OMIM 613826.

Allele frequency attached by ClinVar (database versions not stated): gnomAD 0.00001 and 0.00002; gnomAD exomes 0.00001; ExAC 0.00002; TOPMed 0.00002; 1000 Genomes Project 30x 0.00016; 1000 Genomes Project 0.00020.
gnomAD v4.1: 12 of 1,530,460 alleles (0.00078%); highest among the groups gnomAD compares: East Asian, 0.015%; 1 homozygote.

Submissions (2):

Labcorp Genetics (formerly Invitae), Labcorp
Classification: Uncertain significance for Leber congenital amaurosis 6; Cone-rod dystrophy 13. Last evaluated: 2022-11-01. Review status: criteria provided, single submitter. Criteria: Invitae Variant Classification Sherloc (09022015). Collection method: clinical testing. Allele origin: germline.
Comment: This variant has not been reported in the literature in individuals affected with RPGRIP1-related conditions. In summary, the available evidence is currently insufficient to determine the role of this variant in disease. Therefore, it has been classified as a Variant of Uncertain Significance. Advanced modeling of protein sequence and biophysical properties (such as structural, functional, and spatial information, amino acid conservation, physicochemical variation, residue mobility, and thermodynamic stability) performed at Invitae indicates that this missense variant is not expected to disrupt RPGRIP1 protein function. ClinVar contains an entry for this variant (Variation ID: 966369). This variant is present in population databases (rs550094754, gnomAD 0.02%). This sequence change replaces leucine, which is neutral and non-polar, with valine, which is neutral and non-polar, at codon 1075 of the RPGRIP1 protein (p.Leu1075Val).

Blueprint Genetics
Classification: Uncertain significance. Last evaluated: 2021-08-31. Review status: criteria provided, single submitter. Criteria: ACMG Guidelines, 2015. Collection method: clinical testing. Allele origin: germline.

NM_020366.4(RPGRIP1):c.3223C>G (p.Leu1075Val)

Gene: RPGRIP1 (RPGR interacting protein 1; plus strand). Cytogenetic location: 14q11.2.
Variant type: single nucleotide variant.
Coding change: c.3223C>G on transcript NM_020366.4 (MANE Select); coding-DNA position 3223, C replaced by G.
Protein change: p.Leu1075Val; replaces leucine 1075 with valine.
Molecular consequence: missense variant.
Genome position (GRCh38, 1-based): chr14:21,330,372, C>G. VCF-style: chr14-21330372-C-G. GRCh37 (hg19) VCF-style: chr14-21798531-C-G.
Other names: c.1201C>G, p.Leu401Val (NM_001377523.1); c.2149C>G, p.Leu717Val (NM_001377948.1); c.1309C>G, p.Leu437Val (NM_001377949.1); c.1198C>G, p.Leu400Val (NM_001377950.1); c.703C>G, p.Leu235Val (NM_001377951.1); short protein forms L401V, L235V, L400V, L437V, L717V, L1075V.
Identifiers: ClinVar variation 966369 (VCV000966369.11), dbSNP rs550094754, ClinGen allele CA7089446.
Genomic context (GRCh38, chr14:21,330,372, plus strand): 5'-AATCAGCACGAGGAAGAGGAAATGACATTATCCCATTCAGCACTGAAACAGAAGGAACCT[C>G]TACATCCTGTAAATGGTATTGTCTTTTAAAATCTATTTTTTTTCCTAGCACTTTGGGAGG-3'
Protein context (NP_065099.3, residues 1065-1085): SHSALKQKEP[Leu1075Val]HPVNDKESSE